The following continues an entry in ClinVar:

NM_000535.7(PMS2):c.215G>A (p.Gly72Glu)

Gene: PMS2. ClinVar aggregate classification (germline): Conflicting classifications of pathogenicity. Pathogenic (2); Likely pathogenic (5); Uncertain significance (3).

Submissions 8 to 11 of 11:

Myriad Genetics, Inc.
Classification: Uncertain significance for Lynch syndrome 4. Last evaluated: 2023-04-04. Review status: criteria provided, single submitter. Criteria: Myriad Autosomal Dominant, Autosomal Recessive and X-Linked Classification Criteria (2023). Collection method: clinical testing. Allele origin: unknown.
Comment: This variant is classified as a variant of uncertain significance as there is insufficient evidence to determine its impact on protein function and/or cancer risk.

GeneDx
Classification: Uncertain significance. Last evaluated: 2022-06-08. Review status: criteria provided, single submitter. Criteria: GeneDx Variant Classification Process June 2021. Collection method: clinical testing. Allele origin: germline. Affected: yes.
Comment: Not observed at significant frequency in large population cohorts (gnomAD); In silico analysis supports that this missense variant has a deleterious effect on protein structure/function; Observed in individuals with mismatch repair (MMR)-deficient colon cancer and segregated with disease in one family (Pearlman 2017); This variant is associated with the following publications: (PMID: 27978560, 11574484, 30161022, 30877237, 31422818, 27535533)

Laboratory for Molecular Medicine, Mass General Brigham Personalized Medicine
Classification: Likely pathogenic for Lynch syndrome. Last evaluated: 2020-02-07. Review status: criteria provided, single submitter. Criteria: LMM Criteria. Collection method: clinical testing. Allele origin: germline. Inheritance: Autosomal dominant inheritance. Observed: 1 variant allele.
Comment: The p.Gly72Glu variant in PM2 has been reported in 4 individuals with Lynch syndrome associated cancers such as colorectal cancer and segregated with disease in 1 affected individual from (Pearlman 2017, GeneDx per. Comm., Ambry per. Comm., Invitae per. Comm., LMM data, ClinVar Variation ID: 182808). In addition, tumors sampled from 3 of these individuals showed either high microsatellite instability or lacked PMS2 expression, while 1 tumor showed normal PMS2 expression. This variant was absent from large population studies. Computational prediction tools and conservation analyses suggest that this variant may impact the protein. In summary, although additional studies are required to fully establish its clinical significance, this variant meets criteria to be classified as likely pathogenic for autosomal dominant Lynch syndrome based on case observations, absence from the general population, and functional and computational evidence. ACMG/AMP Criteria applied: PS4_supporting, PM2, PS3.

Counsyl
Classification: Uncertain significance for Lynch syndrome 4. Last evaluated: 2018-04-26. Review status: no assertion criteria provided. Collection method: clinical testing. Allele origin: unknown. Not counted in ClinVar's aggregate classification.

Literature cited by the submitters: PubMed 27978560 (cited by 7 submitters); PubMed 31422818 (cited by Women's Health and Genetics/Laboratory Corporation of America, LabCorp and Quest Diagnostics Nichols Institute San Juan Capistrano); PubMed 30877237 (cited by Quest Diagnostics Nichols Institute San Juan Capistrano); PubMed 11574484 (cited by Ambry Genetics).